The following is an entry in ClinVar:

ClinVar aggregate classification (germline): Uncertain significance (1 of 4 stars; one submission).

Conditions:
Inborn genetic diseases. Identifiers: MedGen C0950123, MeSH D030342.

Submission:

Ambry Genetics
Classification: Uncertain significance for Inborn genetic diseases. Last evaluated: 2026-06-12. Review status: criteria provided, single submitter. Criteria: Ambry Variant Classification Scheme 2023. Collection method: clinical testing. Allele origin: germline.
Comment: The p.L5R variant (also known as c.14T>G), located in coding exon 1 of the SAMD9 gene, results from a T to G substitution at nucleotide position 14. The leucine at codon 5 is replaced by arginine, an amino acid with dissimilar properties. This amino acid position is conserved. In addition, this alteration is predicted to be tolerated by in silico analysis. Based on the available evidence, the clinical significance of this variant remains unclear.

NM_017654.4(SAMD9):c.14T>G (p.Leu5Arg)

Gene: SAMD9 (sterile alpha motif domain containing 9; minus strand). Cytogenetic location: 7q21.2.
Variant type: single nucleotide variant.
Coding change: c.14T>G on transcript NM_017654.4 (MANE Select); coding-DNA position 14, T replaced by G.
Protein change: p.Leu5Arg; replaces leucine 5 with arginine.
Molecular consequence: missense variant.
Genome position (GRCh38, 1-based): chr7:93,106,084, A>C on the plus strand (T>G on the coding strand, the complement: SAMD9 is on the minus strand). VCF-style: chr7-93106084-A-C. GRCh37 (hg19) VCF-style: chr7-92735397-A-C.
Other names: c.14T>G, p.Leu5Arg (NM_001193307.2); short protein forms L5R.
Identifiers: ClinVar variation 4863894 (VCV004863894.1).
Genomic context (GRCh38, chr7:93,106,084, plus strand): 5'-CTTTCTAACCACTGATTTACATCCTCTTTTGTCCAATCATCTGTATTTTCTGGAAGGTTA[A>C]GTTGCTTTGCCATTCTGATACCTATATGTAGAAAAAGAAAAATTATTTAGTATTATTAAA-3'
Protein context (NP_060124.2, residues 1-15): MAKQ[Leu5Arg]NLPENTDDWT